The following is an entry in ClinVar:

ClinVar aggregate classification (germline): Uncertain significance. Review status: criteria provided, multiple submitters, no conflicts (2 of 4 stars). 2 submissions from 2 submitters: Uncertain significance (2). Last evaluated 2025-08-14.

Conditions:
Inborn genetic diseases. Identifiers: MedGen C0950123, MeSH D030342.
Baller-Gerold syndrome (BGS). Also called: CRANIOSYNOSTOSIS WITH RADIAL DEFECTS. Identifiers: Orphanet 1225, MedGen C0265308, MONDO:0009039, OMIM 218600.

Submissions (2):

Ambry Genetics
Classification: Uncertain significance for Inborn genetic diseases. Last evaluated: 2025-08-14. Review status: criteria provided, single submitter. Criteria: Ambry Variant Classification Scheme 2023. Collection method: clinical testing. Allele origin: germline.

Labcorp Genetics (formerly Invitae), Labcorp
Classification: Uncertain significance for Baller-Gerold syndrome. Last evaluated: 2023-02-18. Review status: criteria provided, single submitter. Criteria: Invitae Variant Classification Sherloc (09022015). Collection method: clinical testing. Allele origin: germline.
Comment: In summary, the available evidence is currently insufficient to determine the role of this variant in disease. Therefore, it has been classified as a Variant of Uncertain Significance. Experimental studies and prediction algorithms are not available or were not evaluated, and the functional significance of this variant is currently unknown. ClinVar contains an entry for this variant (Variation ID: 1426988). This variant has not been reported in the literature in individuals affected with RECQL4-related conditions. This variant is not present in population databases (gnomAD no frequency). This sequence change replaces proline, which is neutral and non-polar, with leucine, which is neutral and non-polar, at codon 317 of the RECQL4 protein (p.Pro317Leu).

NM_004260.4(RECQL4):c.950C>T (p.Pro317Leu)

Gene: RECQL4 (RecQ like helicase 4; minus strand). Cytogenetic location: 8q24.3.
Variant type: single nucleotide variant.
Coding change: c.950C>T on transcript NM_004260.4 (MANE Select); coding-DNA position 950, C replaced by T.
Protein change: p.Pro317Leu; replaces proline 317 with leucine.
Molecular consequence: missense variant.
Genome position (GRCh38, 1-based): chr8:144,516,169, G>A on the plus strand (C>T on the coding strand, the complement: RECQL4 is on the minus strand). VCF-style: chr8-144516169-G-A. GRCh37 (hg19) VCF-style: chr8-145741553-G-A.
Other names: c.950C>T (NM_004260.3); short protein forms P317L.
Identifiers: ClinVar variation 1426988 (VCV001426988.9), dbSNP rs2130719164, ClinGen allele CA372688568.